The following is an entry in ClinVar:

ClinVar aggregate classification (germline): not provided (0 of 4 stars; one submission).

Conditions:
Familial long QT syndrome (RWS). Also called: Congenital long QT syndrome; Romano-Ward syndrome; VENTRICULAR FIBRILLATION WITH PROLONGED QT INTERVAL. Identifiers: Orphanet 768, MedGen C1141890, MONDO:0019171.

Submission:

Cardiovascular Biomedical Research Unit, Royal Brompton & Harefield NHS Foundation Trust
No classification provided. Condition: Familial long QT syndrome. Review status: no classification provided. Collection method: literature only. Allele origin: germline.
Comment: This variant has been reported as associated with Long QT syndrome in the following publications (PMID:20541041). This is a literature report, and does not necessarily reflect the clinical interpretation of the Imperial College / Royal Brompton Cardiovascular Genetics laboratory.

Literature cited by the submitters: PubMed 20541041; PubMed 22581653.

NM_000218.3(KCNQ1):c.548A>G (p.Lys183Arg)

Gene: KCNQ1 (potassium voltage-gated channel subfamily Q member 1; plus strand). Cytogenetic location: 11p15.5.
Variant type: single nucleotide variant.
Coding change: c.548A>G on transcript NM_000218.3 (MANE Select); coding-DNA position 548, A replaced by G.
Protein change: p.Lys183Arg; replaces lysine 183 with arginine.
Molecular consequence: missense variant.
Genome position (GRCh38, 1-based): chr11:2,570,698, A>G. VCF-style: chr11-2570698-A-G. GRCh37 (hg19) VCF-style: chr11-2591928-A-G.
Other names: c.548A>G (LRG_287t1); c.548A>G, p.Lys183Arg (NM_001406836.1); c.278A>G, p.Lys93Arg (NM_001406837.1); c.167A>G, p.Lys56Arg (NM_181798.2); short protein forms K183R, K56R, K93R.
Identifiers: ClinVar variation 67080 (VCV000067080.3), dbSNP rs199473396, ClinGen allele CA007396.
Genomic context (GRCh38, chr11:2,570,698, plus strand): 5'-TGGTGGTGTTCTTCGGGACGGAGTACGTGGTCCGCCTCTGGTCCGCCGGCTGCCGCAGCA[A>G]GTACGTGGGCCTCTGGGGGCGGCTGCGCTTTGCCCGGAAGCCCATTTCCATCATCGGTGA-3'
Protein context (NP_000209.2, residues 173-193): VRLWSAGCRS[Lys183Arg]YVGLWGRLRF